The following is an entry in ClinVar:

ClinVar aggregate classification (germline): Likely pathogenic (1 of 4 stars; one submission).

Conditions:
Legius syndrome. Identifiers: Orphanet 137605, MedGen C1969623, MONDO:0012669, OMIM 611431. Disease mechanism: loss of function.

Submission:

Institute of Human Genetics, FAU Erlangen, Friedrich-Alexander-Universität Erlangen-Nürnberg
Classification: Likely pathogenic for Legius syndrome. Last evaluated: 2024-07-08. Review status: criteria provided, single submitter. Criteria: Hauer et al. (Genet Med. 2018). Collection method: clinical testing. Allele origin: germline. Inheritance: Autosomal dominant inheritance. Affected: yes. Observed: 1 variant allele.
Comment: This variant has been identified by standard clinical testing. Selected ACMG criteria: Likely pathogenic (I):PM2;PVS1

NM_152594.3(SPRED1):c.700dup (p.Ile234fs)

Gene: SPRED1 (sprouty related EVH1 domain containing 1; plus strand). Cytogenetic location: 15q14.
Variant type: Duplication.
Coding change: c.700dup on transcript NM_152594.3 (MANE Select); coding-DNA position 700, one base duplicated (A; older notation c.700dupA).
Protein change: p.Ile234fs; shifts the reading frame from isoleucine 234.
Molecular consequence: frameshift variant.
Genome position (GRCh38, 1-based): chr15:38,351,029, A duplicated; the last of 2 consecutive A bases (chr15:38,351,028-38,351,029); duplicating either gives the same sequence. VCF-style (leftmost placement, unchanged base first): chr15-38351027-C-CA. GRCh37 (hg19) VCF-style: chr15-38643228-C-CA.
Other names: short protein forms I234fs.
Identifiers: ClinVar variation 3250378 (VCV003250378.1), dbSNP rs2542742376.